The following is an entry in ClinVar:

ClinVar aggregate classification (germline): Conflicting classifications of pathogenicity. Review status: criteria provided, conflicting classifications (1 of 4 stars). 8 submissions from 8 submitters: Uncertain significance (5); Likely benign (1). 2 of the submissions do not count toward it. Last evaluated 2025-10-10.

Conditions:
Arrhythmogenic cardiomyopathy with wooly hair and keratoderma. Also called: PALMOPLANTAR KERATODERMA WITH LEFT VENTRICULAR CARDIOMYOPATHY AND WOOLLY HAIR; Carvajal syndrome; Dilated cardiomyopathy with woolly hair and keratoderma; Arrhythmogenic cardiomyopathy with woolly hair and keratoderma. Identifiers: Orphanet 65282, MedGen C1854063, MONDO:0011581, OMIM 605676.
Arrhythmogenic right ventricular dysplasia 8 (ARVD8). Also called: Arrhythmogenic Right Ventricular Dysplasia/Cardiomyopathy 8; ARRHYTHMOGENIC RIGHT VENTRICULAR DYSPLASIA, FAMILIAL, 8; ARRHYTHMOGENIC RIGHT VENTRICULAR CARDIOMYOPATHY 8. Identifiers: MedGen C1843896, MONDO:0011831, OMIM 607450.
Cardiovascular phenotype. Identifiers: MedGen CN230736.
Cardiomyopathy (CMYO). Also called: Cardiomyopathies. Identifiers: Orphanet 167848, MedGen C0878544, MONDO:0004994, HP:0001638. Inheritance: Various modes of inheritance.

Allele frequency attached by ClinVar (database versions not stated): TOPMed 0.00002; gnomAD exomes 0.00005; ExAC 0.00006.
gnomAD v4.1: 63 of 1,613,958 alleles (0.0039%); highest among the groups gnomAD compares: Non-Finnish European, 0.0045%; no homozygotes.

Submissions (8):

Labcorp Genetics (formerly Invitae), Labcorp
Classification: Likely benign for Arrhythmogenic cardiomyopathy with wooly hair and keratoderma; Arrhythmogenic right ventricular dysplasia 8. Last evaluated: 2025-10-10. Review status: criteria provided, single submitter. Criteria: Invitae Variant Classification Sherloc (09022015). Collection method: clinical testing. Allele origin: germline.

Ambry Genetics
Classification: Uncertain significance for Cardiovascular phenotype. Last evaluated: 2025-04-22. Review status: criteria provided, single submitter. Criteria: Ambry Variant Classification Scheme 2023. Collection method: clinical testing. Allele origin: germline.
Comment: The p.R2189W variant (also known as c.6565C>T), located in coding exon 24 of the DSP gene, results from a C to T substitution at nucleotide position 6565. The arginine at codon 2189 is replaced by tryptophan, an amino acid with dissimilar properties. This variant was detected in a cardiomyopathy genetic testing cohort; however, clinical details were limited (van Lint FHM et al. Neth Heart J, 2019 Jun;27:304-309; Perret C et al. Clin Genet, 2024 Feb;105:185-189). This amino acid position is not well conserved in available vertebrate species. In addition, this alteration is predicted to be tolerated by in silico analysis. Based on the available evidence, the clinical significance of this variant remains unclear.

Molecular Diagnostic Laboratory for Inherited Cardiovascular Disease, Montreal Heart Institute
Classification: Uncertain significance for Cardiovascular phenotype. Last evaluated: 2025-02-17. Review status: criteria provided, single submitter. Criteria: ACMG Guidelines, 2015. Collection method: clinical testing. Allele origin: germline. Affected: yes.
Comment: PM2

All of Us Research Program, National Institutes of Health
Classification: Uncertain significance for Arrhythmogenic cardiomyopathy with wooly hair and keratoderma. Last evaluated: 2024-09-23. Review status: criteria provided, single submitter. Criteria: ACMG Guidelines, 2015. Collection method: clinical testing. Allele origin: germline. Inheritance: Autosomal dominant inheritance. Observed: 13 variant alleles, 13 heterozygotes.
Comment: This missense variant replaces arginine with tryptophan at codon 2189 of the DSP protein. Computational prediction suggests that this variant may not impact protein structure and function (internally defined REVEL score threshold <= 0.5, PMID: 27666373). To our knowledge, functional studies have not been reported for this variant. This variant has been reported in an individual suspected of having dilated cardiomyopathy (PMID: 30847666). This variant has been identified in 13/251482 chromosomes in the general population by the Genome Aggregation Database (gnomAD). The available evidence is insufficient to determine the role of this variant in disease conclusively. Therefore, this variant is classified as a Variant of Uncertain Significance.

This study involves interpretation of variants in research participants for the purpose of population health screening. Participant phenotype was not available at the time of variant classification. Additional details can be found in publication PMID: 35346344, PMCID: PMC8962531

Color Diagnostics, LLC DBA Color Health
Classification: Uncertain significance for Cardiomyopathy. Last evaluated: 2024-06-27. Review status: criteria provided, single submitter. Criteria: ACMG Guidelines, 2015. Collection method: clinical testing. Allele origin: germline.
Comment: This missense variant replaces arginine with tryptophan at codon 2189 of the DSP protein. Computational prediction suggests that this variant may not impact protein structure and function (internally defined REVEL score threshold <= 0.5, PMID: 27666373). To our knowledge, functional studies have not been reported for this variant. This variant has been reported in an individual suspected of having dilated cardiomyopathy (PMID: 30847666). This variant has been identified in 13/251482 chromosomes in the general population by the Genome Aggregation Database (gnomAD). The available evidence is insufficient to determine the role of this variant in disease conclusively. Therefore, this variant is classified as a Variant of Uncertain Significance.

CeGaT Center for Human Genetics Tuebingen
Classification: Uncertain significance. Last evaluated: 2024-01-01. Review status: criteria provided, single submitter. Criteria: CeGaT Center For Human Genetics Tuebingen Variant Classification Criteria Version 2. Collection method: clinical testing. Allele origin: germline. Affected: yes. Observed: 1 variant allele.
Comment: DSP: PM2

Clinical Genetics, Academic Medical Center
Classification: Uncertain significance. Review status: no assertion criteria provided. Collection method: clinical testing. Allele origin: germline. Affected: yes. Study: VKGL Data-share Consensus. Not counted in ClinVar's aggregate classification.

Joint Genome Diagnostic Labs from Nijmegen and Maastricht, Radboudumc and MUMC+
Classification: Uncertain significance. Review status: no assertion criteria provided. Collection method: clinical testing. Allele origin: germline. Affected: yes. Study: VKGL Data-share Consensus. Not counted in ClinVar's aggregate classification.

Literature cited by the submitters: PubMed 30847666 (cited by 3 submitters); PubMed 37904629 (cited by Ambry Genetics).

NM_004415.4(DSP):c.6565C>T (p.Arg2189Trp)

Gene: DSP (desmoplakin; plus strand). Cytogenetic location: 6p24.3.
Variant type: single nucleotide variant.
Coding change: c.6565C>T on transcript NM_004415.4 (MANE Select); coding-DNA position 6565, C replaced by T.
Protein change: p.Arg2189Trp; replaces arginine 2189 with tryptophan.
Molecular consequence: missense variant.
Genome position (GRCh38, 1-based): chr6:7,583,827, C>T. VCF-style: chr6-7583827-C-T. GRCh37 (hg19) VCF-style: chr6-7584060-C-T.
Other names: c.6565C>T (LRG_423t1, NM_004415.3); c.4768C>T, p.Arg1590Trp (NM_001008844.3); c.5236C>T, p.Arg1746Trp (NM_001319034.2); short protein forms R2189W, R1590W, R1746W.
Identifiers: ClinVar variation 534300 (VCV000534300.45), dbSNP rs767661570, ClinGen allele CA047999.
Genomic context (GRCh38, chr6:7,583,827, plus strand): 5'-CAGAAAAACTTTGTGGATCCAGTCACCAAAAAGAAGGTCAGTTACGTGCAGCTGAAGGAA[C>T]GGTGCAGAATCGAACCACATACTGGTCTGCTCTTGCTTTCAGTACAGAAGAGAAGCATGT-3'
Protein context (NP_004406.2, residues 2179-2199): KKVSYVQLKE[Arg2189Trp]CRIEPHTGLL